The following is an entry in ClinVar:

NM_000256.3(MYBPC3):c.1270A>T (p.Ser424Cys)

Gene: MYBPC3 (myosin binding protein C3; minus strand). Cytogenetic location: 11p11.2.
Variant type: single nucleotide variant.
Coding change: c.1270A>T on transcript NM_000256.3 (MANE Select); coding-DNA position 1270, A replaced by T.
Protein change: p.Ser424Cys; replaces serine 424 with cysteine.
Molecular consequence: missense variant.
Genome position (GRCh38, 1-based): chr11:47,343,102, T>A on the plus strand (A>T on the coding strand, the complement: MYBPC3 is on the minus strand). VCF-style: chr11-47343102-T-A. GRCh37 (hg19) VCF-style: chr11-47364653-T-A.
Other names: short protein forms S424C.
Identifiers: ClinVar variation 1001685 (VCV001001685.8), dbSNP rs2095890748, ClinGen allele CA380327544.

ClinVar aggregate classification (germline): Uncertain significance (1 of 4 stars; one submission).

Conditions:
Hypertrophic cardiomyopathy. Also called: HYPERTROPHIC MYOCARDIOPATHY. Identifiers: Orphanet 217569, MedGen C0007194, MeSH D002312, MONDO:0005045, HP:0001639.

Submission:

Labcorp Genetics (formerly Invitae), Labcorp
Classification: Uncertain significance for Hypertrophic cardiomyopathy. Last evaluated: 2020-05-21. Review status: criteria provided, single submitter. Criteria: Invitae Variant Classification Sherloc (09022015). Collection method: clinical testing. Allele origin: germline.
Comment: This sequence change replaces serine with cysteine at codon 424 of the MYBPC3 protein (p.Ser424Cys). The serine residue is moderately conserved and there is a moderate physicochemical difference between serine and cysteine. In summary, the available evidence is currently insufficient to determine the role of this variant in disease. Therefore, it has been classified as a Variant of Uncertain Significance. Algorithms developed to predict the effect of missense changes on protein structure and function (SIFT, PolyPhen-2, Align-GVGD) all suggest that this variant is likely to be disruptive, but these predictions have not been confirmed by published functional studies and their clinical significance is uncertain. This variant has not been reported in the literature in individuals with MYBPC3-related conditions. This variant is not present in population databases (ExAC no frequency).